The following is an entry in ClinVar:

NM_000039.3(APOA1):c.562G>A (p.Ala188Thr)

Gene: APOA1 (apolipoprotein A1; minus strand). Cytogenetic location: 11q23.3.
Variant type: single nucleotide variant.
Coding change: c.562G>A on transcript NM_000039.3 (MANE Select); coding-DNA position 562, G replaced by A.
Protein change: p.Ala188Thr; replaces alanine 188 with threonine.
Molecular consequence: missense variant.
Genome position (GRCh38, 1-based): chr11:116,836,050, C>T on the plus strand (G>A on the coding strand, the complement: APOA1 is on the minus strand). VCF-style: chr11-116836050-C-T. GRCh37 (hg19) VCF-style: chr11-116706766-C-T.
Other names: c.562G>A, p.Ala188Thr (NM_001318017.2, NM_001318018.2, NM_001425090.1); c.235G>A, p.Ala79Thr (NM_001318021.2, NM_001425091.1, NM_001425092.1); c.517G>A, p.Ala173Thr (NM_001425093.1); short protein forms A173T, A188T, A79T.
Identifiers: ClinVar variation 3231941 (VCV003231941.1), dbSNP rs140770089, ClinGen allele CA382715201.

ClinVar aggregate classification (germline): Uncertain significance (1 of 4 stars; one submission).

Conditions:
Cardiovascular phenotype. Identifiers: MedGen CN230736.

Submission:

Ambry Genetics
Classification: Uncertain significance for Cardiovascular phenotype. Last evaluated: 2023-11-14. Review status: criteria provided, single submitter. Criteria: Ambry Variant Classification Scheme 2023. Collection method: clinical testing. Allele origin: germline.
Comment: The p.A188T variant (also known as c.562G>A), located in coding exon 3 of the APOA1 gene, results from a G to A substitution at nucleotide position 562. The alanine at codon 188 is replaced by threonine, an amino acid with similar properties. This amino acid position is conserved. In addition, this alteration is predicted to be tolerated by in silico analysis. Since supporting evidence is limited at this time, the clinical significance of this alteration remains unclear.